The following is an entry in ClinVar:

ClinVar aggregate classification (germline): Conflicting classifications of pathogenicity. Review status: criteria provided, conflicting classifications (1 of 4 stars). 2 submissions from 2 submitters: Likely pathogenic (1); Uncertain significance (1). Last evaluated 2026-04-06.

Conditions:
Focal segmental glomerulosclerosis 5 (FSGS5). Identifiers: Orphanet 656, MedGen C2750475, MONDO:0013191, OMIM 613237.
Charcot-Marie-Tooth disease dominant intermediate E. Also called: CHARCOT-MARIE-TOOTH NEUROPATHY WITH FOCAL SEGMENTAL GLOMERULONEPHRITIS. Identifiers: Orphanet 93114, MedGen C4302667, MONDO:0013758, OMIM 614455.

Submissions (2):

Molecular Lab, University of Sulaimaniyah
Classification: Likely pathogenic for Focal segmental glomerulosclerosis 5. Last evaluated: 2026-04-06. Review status: criteria provided, single submitter. Criteria: ACMG Guidelines, 2015. Collection method: research. Allele origin: germline. Inheritance: Autosomal dominant inheritance. Affected: yes. Observed: 1 variant allele, 3 homozygotes. Clinical features observed: Biopsy-proven focal segmental glomerulosclerosis.
Comment: This variant was classified using the ACMG/AMP 2015 framework (PMID:25741868). PVS1 was applied because INF2 c.2996_2997insG is predicted to cause a frameshift and premature termination. PM2 was considered because the variant is absent or rare in population databases. PP4 was used as supporting case-level evidence because the variant was observed in an affected individual from a biopsy-proven focal segmental glomerulosclerosis cohort. As internal case-level support, the variant was observed in 1 affected individual(s) among 35 individuals tested, including 1 single heterozygote. No functional assay evidence is submitted. Overall, the submitted evidence supported a Likely pathogenic classification.

Labcorp Genetics (formerly Invitae), Labcorp
Classification: Uncertain significance for Charcot-Marie-Tooth disease dominant intermediate E; Focal segmental glomerulosclerosis 5. Last evaluated: 2021-02-07. Review status: criteria provided, single submitter. Criteria: Invitae Variant Classification Sherloc (09022015). Collection method: clinical testing. Allele origin: germline.
Comment: In summary, the available evidence is currently insufficient to determine the role of this variant in disease. Therefore, it has been classified as a Variant of Uncertain Significance. This sequence change creates a premature translational stop signal (p.Ser1000Glnfs*19) in the INF2 gene. It is expected to result in an absent or disrupted protein product. However, the current clinical and genetic evidence is not sufficient to establish whether loss-of-function variants in INF2 cause disease. This variant is not present in population databases (ExAC no frequency). This variant has not been reported in the literature in individuals with INF2-related conditions.

NM_022489.4(INF2):c.2996dup (p.Ser1000fs)

Gene: INF2 (inverted formin 2; plus strand). Cytogenetic location: 14q32.33.
Variant type: Duplication.
Coding change: c.2996dup on transcript NM_022489.4 (MANE Select); coding-DNA position 2996, one base duplicated (G; older notation c.2996dupG).
Protein change: p.Ser1000fs; shifts the reading frame from serine 1000.
Molecular consequence: frameshift variant.
Genome position (GRCh38, 1-based): chr14:104,713,562, G duplicated; the last of 5 consecutive G bases (chr14:104,713,558-104,713,562); duplicating any one gives the same sequence. VCF-style (leftmost placement, unchanged base first): chr14-104713557-C-CG. GRCh37 (hg19) VCF-style: chr14-105179894-C-CG.
Other names: c.2996dup, p.Ser1000fs (NM_001031714.4); c.2996_2997insG (NM_022489.4); short protein forms S1000fs.
Identifiers: ClinVar variation 1429675 (VCV001429675.7), dbSNP rs1566785725, ClinGen allele CA2573150542.
Genomic context (GRCh38, chr14:104,713,557, plus strand): 5'-GGCTGACATCAGGAAGGGCTTCCAGCTGCGGAAGACAGCCCGGGGCCGCGGGGACACCGA[C>CG]GGGGGCAGCAAGGCAGCCTCCATGGATCCCCCAAGAGCCACAGAGCCTGGTAAGACCCTC-3'